The following is an entry in ClinVar:

NM_014339.7(IL17RA):c.652C>T (p.Arg218Cys)

Gene: IL17RA (interleukin 17 receptor A; plus strand). Cytogenetic location: 22q11.1.
Variant type: single nucleotide variant.
Coding change: c.652C>T on transcript NM_014339.7 (MANE Select); coding-DNA position 652, C replaced by T.
Protein change: p.Arg218Cys; replaces arginine 218 with cysteine.
Molecular consequence: missense variant.
Genome position (GRCh38, 1-based): chr22:17,102,192, C>T. VCF-style: chr22-17102192-C-T. GRCh37 (hg19) VCF-style: chr22-17583082-C-T.
Other names: c.652C>T, p.Arg218Cys (NM_001289905.2); short protein forms R218C.
Identifiers: ClinVar variation 1926301 (VCV001926301.2), dbSNP rs762025728, ClinGen allele CA10086446.

ClinVar aggregate classification (germline): Uncertain significance (1 of 4 stars; one submission).

Conditions:
Immunodeficiency 51 (IMD51). Also called: CANDIDIASIS, FAMILIAL, 5. Identifiers: Orphanet 1334, MedGen C4310803, MONDO:0013500, OMIM 613953.

Allele frequency attached by ClinVar (database versions not stated): ExAC 0.00002; gnomAD 0.00002; gnomAD exomes 0.00003.

Submission:

Labcorp Genetics (formerly Invitae), Labcorp
Classification: Uncertain significance for Immunodeficiency 51. Last evaluated: 2022-05-12. Review status: criteria provided, single submitter. Criteria: Invitae Variant Classification Sherloc (09022015). Collection method: clinical testing. Allele origin: germline.
Comment: This sequence change replaces arginine, which is basic and polar, with cysteine, which is neutral and slightly polar, at codon 218 of the IL17RA protein (p.Arg218Cys). This variant is present in population databases (rs762025728, gnomAD 0.01%). This variant has not been reported in the literature in individuals affected with IL17RA-related conditions. Algorithms developed to predict the effect of missense changes on protein structure and function (SIFT, PolyPhen-2, Align-GVGD) all suggest that this variant is likely to be tolerated. In summary, the available evidence is currently insufficient to determine the role of this variant in disease. Therefore, it has been classified as a Variant of Uncertain Significance.